The following is an entry in ClinVar:

ClinVar aggregate classification (germline): Pathogenic (1 of 4 stars; one submission).

Conditions:
POLG-related disorder. Also called: POLG-Related Spectrum Disorders; POLG-related condition; POLG-Related Disorders. Identifiers: MedGen C4763519.

Submission:

Myriad Genetics, Inc.
Classification: Pathogenic for POLG-related disorder. Last evaluated: 2024-02-09. Review status: criteria provided, single submitter. Criteria: Myriad Autosomal Dominant, Autosomal Recessive and X-Linked Classification Criteria (2023). Collection method: clinical testing. Allele origin: unknown.
Comment: NM_002693.2(POLG):c.136_137delCA(Q46Afs*197) is expected to be pathogenic in the context of POLG-related disorders. This variant is predicted to lead to an abnormal or absent protein product due to the creation of a premature termination codon in POLG, a gene where loss-of-function variants are known to be pathogenic. Please note: this variant was assessed in the context of healthy population screening.

NM_002693.3(POLG):c.136_137del (p.Gln46fs)

Genes: POLG (DNA polymerase gamma, catalytic subunit; minus strand), POLGARF (POLG alternative reading frame; minus strand). Cytogenetic location: 15q26.1.
Variant type: Deletion.
Coding change: c.136_137del on transcript NM_002693.3 (MANE Select); coding-DNA positions 136 to 137, 2 bases deleted (CA; older notation c.136_137delCA).
Protein change: p.Gln46fs; shifts the reading frame from glutamine 46.
Molecular consequence: frameshift variant.
Genome position (GRCh38, 1-based): chr15:89,333,618-89,333,619, TG deleted on the plus strand (CA on the coding strand, the reverse complement: POLG is on the minus strand). VCF-style (leftmost placement, unchanged base first): chr15-89333617-CTG-C. GRCh37 (hg19) VCF-style: chr15-89876848-CTG-C.
Other names: c.191_192del, p.Ala64fs (NM_001430120.1); c.136_137del, p.Gln46fs (NM_001126131.2); short protein forms A64fs, Q46fs.
Identifiers: ClinVar variation 5012721 (VCV005012721.1).